The following is an entry in ClinVar:

ClinVar aggregate classification (germline): Uncertain significance. Review status: criteria provided, multiple submitters, no conflicts (2 of 4 stars). 5 submissions from 5 submitters: Uncertain significance (5). Last evaluated 2026-09-25.

Conditions:
Senior-Loken syndrome 6 (SLSN6). Identifiers: Orphanet 3156, MedGen C1857779, MONDO:0012433, OMIM 610189.
Meckel syndrome, type 4 (MKS4). Also called: MECKEL-GRUBER SYNDROME, TYPE 4. Identifiers: Orphanet 564, MedGen C1970161, MONDO:0012626, OMIM 611134.
Bardet-Biedl syndrome 14 (BBS14). Identifiers: Orphanet 110, MedGen C2673874, MONDO:0014442, OMIM 615991.
Leber congenital amaurosis 10 (LCA10). Identifiers: Orphanet 65, MedGen C1857821, MONDO:0012723, OMIM 611755.
Joubert syndrome 5 (JBTS5). Identifiers: Orphanet 2318, MedGen C1857780, MONDO:0012432, OMIM 610188.
CEP290-related disorder. Also called: CEP290-related disorders; CEP290-related condition. Identifiers: MedGen CN239314.
Joubert syndrome. Also called: JOUBERT-BOLTSHAUSER SYNDROME; Familial aplasia of the vermis. Identifiers: Orphanet 475, MedGen C5979921, MONDO:0018772.
Meckel-Gruber syndrome. Also called: DYSENCEPHALIA SPLANCHNOCYSTICA; GRUBER SYNDROME; Dysencephalia splachnocystica. Identifiers: Orphanet 564, MedGen C0265215, MONDO:0018921.
Nephronophthisis. Also called: Juvenile Nephronophthisis. Identifiers: Orphanet 655, MedGen C0687120, MONDO:0019005, HP:0000090.

Allele frequency attached by ClinVar (database versions not stated): gnomAD exomes below 0.00001; gnomAD 0.00001; TOPMed 0.00001.
gnomAD v4.1: 23 of 1,597,962 alleles (0.0014%); highest among the groups gnomAD compares: Non-Finnish European, 0.0016%; no homozygotes.

Submissions (5):

PreventionGenetics, part of Exact Sciences
Classification: Uncertain significance for CEP290-related condition. Last evaluated: 2026-09-25. Review status: criteria provided, single submitter. Criteria: ACMG Guidelines, 2015. Collection method: clinical testing. Allele origin: germline.
Comment: The CEP290 c.6235C>A variant is predicted to result in the amino acid substitution p.Leu2079Ile. To our knowledge, this variant has not been reported in the literature. This variant is reported in 0.00098% of alleles in individuals of European (Non-Finnish) descent in gnomAD. At this time, the clinical significance of this variant is uncertain due to the absence of conclusive functional and genetic evidence.

Blueprint Genetics
Classification: Uncertain significance. Last evaluated: 2023-11-28. Review status: criteria provided, single submitter. Criteria: ACMG Guidelines, 2015. Collection method: clinical testing. Allele origin: germline.

Labcorp Genetics (formerly Invitae), Labcorp
Classification: Uncertain significance for Joubert syndrome; Meckel-Gruber syndrome; Nephronophthisis. Last evaluated: 2023-11-07. Review status: criteria provided, single submitter. Criteria: Invitae Variant Classification Sherloc (09022015). Collection method: clinical testing. Allele origin: germline.
Comment: This sequence change replaces leucine, which is neutral and non-polar, with isoleucine, which is neutral and non-polar, at codon 2079 of the CEP290 protein (p.Leu2079Ile). This variant is not present in population databases (gnomAD no frequency). This missense change has been observed in individual(s) with retinitis pigmentosa (Invitae). ClinVar contains an entry for this variant (Variation ID: 806916). Advanced modeling of protein sequence and biophysical properties (such as structural, functional, and spatial information, amino acid conservation, physicochemical variation, residue mobility, and thermodynamic stability) performed at Invitae indicates that this missense variant is not expected to disrupt CEP290 protein function with a negative predictive value of 80%. In summary, the available evidence is currently insufficient to determine the role of this variant in disease. Therefore, it has been classified as a Variant of Uncertain Significance.

Fulgent Genetics
Classification: Uncertain significance for Joubert syndrome 5; Senior-Loken syndrome 6; Meckel syndrome, type 4; Leber congenital amaurosis 10; Bardet-Biedl syndrome 14. Last evaluated: 2021-12-23. Review status: criteria provided, single submitter. Criteria: ACMG Guidelines, 2015. Collection method: clinical testing. Allele origin: unknown.

CeGaT Center for Human Genetics Tuebingen
Classification: Uncertain significance. Last evaluated: 2020-06-01. Review status: criteria provided, single submitter. Criteria: CeGaT Center For Human Genetics Tuebingen Variant Classification Criteria Version 2. Collection method: clinical testing. Allele origin: germline. Affected: yes. Observed: 1 variant allele.

NM_025114.4(CEP290):c.6235C>A (p.Leu2079Ile)

Gene: CEP290 (centrosomal protein 290; minus strand). Cytogenetic location: 12q21.32.
Variant type: single nucleotide variant.
Coding change: c.6235C>A on transcript NM_025114.4 (MANE Select); coding-DNA position 6235, C replaced by A.
Protein change: p.Leu2079Ile; replaces leucine 2079 with isoleucine.
Molecular consequence: missense variant.
Genome position (GRCh38, 1-based): chr12:88,064,016, G>T on the plus strand (C>A on the coding strand, the complement: CEP290 is on the minus strand). VCF-style: chr12-88064016-G-T. GRCh37 (hg19) VCF-style: chr12-88457793-G-T.
Other names: c.6235C>A (NM_025114.3); short protein forms L2079I.
Identifiers: ClinVar variation 806916 (VCV000806916.49), dbSNP rs753687613, ClinGen allele CA385979609.